The following is an entry in ClinVar:

ClinVar aggregate classification (germline): Uncertain significance (0 of 4 stars; one submission).

Conditions:
SDCCAG8-related disorder. Also called: SDCCAG8-Related Disorders; SDCCAG8-related condition.

gnomAD v4.1: 13 of 1,614,146 alleles (0.00081%); highest among the groups gnomAD compares: South Asian, 0.0044%; no homozygotes.

Submission:

PreventionGenetics, part of Exact Sciences
Classification: Uncertain significance for SDCCAG8-related condition. Last evaluated: 2024-08-19. Review status: no assertion criteria provided. Collection method: clinical testing. Allele origin: germline.
Comment: The SDCCAG8 c.1532A>G variant is predicted to result in the amino acid substitution p.Gln511Arg. To our knowledge, this variant has not been reported in the literature. This variant is reported in 0.0033% of alleles in individuals of South Asian descent in gnomAD. At this time, the clinical significance of this variant is uncertain due to the absence of conclusive functional and genetic evidence.

NM_006642.5(SDCCAG8):c.1532A>G (p.Gln511Arg)

Gene: SDCCAG8 (SHH signaling and ciliogenesis regulator SDCCAG8; plus strand). Cytogenetic location: 1q43.
Variant type: single nucleotide variant.
Coding change: c.1532A>G on transcript NM_006642.5 (MANE Select); coding-DNA position 1532, A replaced by G.
Protein change: p.Gln511Arg; replaces glutamine 511 with arginine.
Molecular consequence: missense variant.
Genome position (GRCh38, 1-based): chr1:243,378,779, A>G. VCF-style: chr1-243378779-A-G. GRCh37 (hg19) VCF-style: chr1-243542081-A-G.
Other names: c.629A>G, p.Gln210Arg (NM_001350246.2, NM_001350247.2, NM_001350251.2); c.1628A>G, p.Gln543Arg (NM_001350248.2); c.1238A>G, p.Gln413Arg (NM_001350249.2); short protein forms Q210R, Q413R, Q511R, Q543R.
Identifiers: ClinVar variation 3356164 (VCV003356164.1).